The following is an entry in ClinVar:

ClinVar aggregate classification (germline): Uncertain significance (1 of 4 stars; one submission).

Submission:

Labcorp Genetics (formerly Invitae), Labcorp
Classification: Uncertain significance. Last evaluated: 2023-02-02. Review status: criteria provided, single submitter. Criteria: Invitae Variant Classification Sherloc (09022015). Collection method: clinical testing. Allele origin: germline.
Comment: In summary, the available evidence is currently insufficient to determine the role of this variant in disease. Therefore, it has been classified as a Variant of Uncertain Significance. This sequence change replaces phenylalanine, which is neutral and non-polar, with isoleucine, which is neutral and non-polar, at codon 2127 of the CACNA1B protein (p.Phe2127Ile). This variant is not present in population databases (gnomAD no frequency). This variant has not been reported in the literature in individuals affected with CACNA1B-related conditions. ClinVar contains an entry for this variant (Variation ID: 1716998). Advanced modeling of protein sequence and biophysical properties (such as structural, functional, and spatial information, amino acid conservation, physicochemical variation, residue mobility, and thermodynamic stability) performed at Invitae indicates that this missense variant is not expected to disrupt CACNA1B protein function.

NM_000718.4(CACNA1B):c.6379T>A (p.Phe2127Ile)

Gene: CACNA1B (calcium voltage-gated channel subunit alpha1 B; plus strand). Cytogenetic location: 9q34.3.
Variant type: single nucleotide variant.
Coding change: c.6379T>A on transcript NM_000718.4 (MANE Select); coding-DNA position 6379, T replaced by A.
Protein change: p.Phe2127Ile; replaces phenylalanine 2127 with isoleucine.
Molecular consequence: missense variant.
Genome position (GRCh38, 1-based): chr9:138,120,771, T>A. VCF-style: chr9-138120771-T-A. GRCh37 (hg19) VCF-style: chr9-141015223-T-A.
Other names: c.6379T>A, p.Phe2127Ile (NM_001243812.2); short protein forms F2127I.
Identifiers: ClinVar variation 1716998 (VCV001716998.5), dbSNP rs2539615562, ClinGen allele CA375823129.